The following is an entry in ClinVar:

NM_022089.4(ATP13A2):c.252C>T (p.His84=)

Gene: ATP13A2 (ATPase cation transporting 13A2; minus strand). Cytogenetic location: 1p36.13.
Variant type: single nucleotide variant.
Coding change: c.252C>T on transcript NM_022089.4 (MANE Select); coding-DNA position 252, C replaced by T.
Protein change: p.His84=; no amino-acid change (histidine 84 retained).
Molecular consequence: synonymous variant.
Genome position (GRCh38, 1-based): chr1:17,005,410, G>A on the plus strand (C>T on the coding strand, the complement: ATP13A2 is on the minus strand). VCF-style: chr1-17005410-G-A. GRCh37 (hg19) VCF-style: chr1-17331905-G-A.
Other names: c.252C>T, p.His84= (NM_001141973.3, NM_001141974.3).
Identifiers: ClinVar variation 585469 (VCV000585469.15), dbSNP rs554944790, ClinGen allele CA637718.

ClinVar aggregate classification (germline): Likely benign. Review status: criteria provided, multiple submitters, no conflicts (2 of 4 stars). 3 submissions from 3 submitters: Likely benign (2). 1 of the submissions does not count toward it. Last evaluated 2025-12-13.

Conditions:
ATP13A2-related disorder. Also called: ATP13A2-related condition; ATP13A2-related disorders.
Kufor-Rakeb syndrome (KRS). Also called: PARKINSON DISEASE 9, AUTOSOMAL RECESSIVE, JUVENILE-ONSET. Identifiers: Orphanet 306674, Orphanet 314632, MedGen C1847640, MONDO:0011706, OMIM 606693.
Autosomal recessive spastic paraplegia type 78. Identifiers: Orphanet 513436, MedGen C5567893, MONDO:0014975, OMIM 617225.

Allele frequency attached by ClinVar (database versions not stated): gnomAD 0.00011; TOPMed 0.00012.
gnomAD v4.1: 158 of 1,611,758 alleles (0.0098%); highest among the groups gnomAD compares: Admixed American, 0.03%; no homozygotes.

Submissions (3):

Labcorp Genetics (formerly Invitae), Labcorp
Classification: Likely benign for Kufor-Rakeb syndrome; Autosomal recessive spastic paraplegia type 78. Last evaluated: 2025-12-13. Review status: criteria provided, single submitter. Criteria: Invitae Variant Classification Sherloc (09022015). Collection method: clinical testing. Allele origin: germline.

Athena Diagnostics
Classification: Likely benign. Last evaluated: 2017-11-30. Review status: criteria provided, single submitter. Criteria: Athena Diagnostics Criteria. Collection method: clinical testing. Allele origin: germline.

PreventionGenetics, part of Exact Sciences
Classification: Likely benign for ATP13A2-related condition. Last evaluated: 2019-05-13. Review status: no assertion criteria provided. Collection method: clinical testing. Allele origin: germline. Not counted in ClinVar's aggregate classification.
Comment: This variant is classified as likely benign based on ACMG/AMP sequence variant interpretation guidelines (Richards et al. 2015 PMID: 25741868, with internal and published modifications).